The following is an entry in ClinVar:

ClinVar aggregate classification (germline): Pathogenic/Likely pathogenic. Review status: criteria provided, multiple submitters, no conflicts (2 of 4 stars). 3 submissions from 3 submitters: Pathogenic (1); Likely pathogenic (2). Last evaluated 2024-04-23.

Submissions (3):

Mayo Clinic Laboratories, Mayo Clinic
Classification: Likely pathogenic. Last evaluated: 2024-04-23. Review status: criteria provided, single submitter. Criteria: ACMG Guidelines, 2015. Collection method: clinical testing. Allele origin: germline. Observed: 1 variant allele.
Comment: PM2_moderate, PVS1

Revvity Omics, Revvity
Classification: Likely pathogenic. Last evaluated: 2023-10-20. Review status: criteria provided, single submitter. Criteria: ACMG Guidelines, 2015. Collection method: clinical testing. Allele origin: germline.

Labcorp Genetics (formerly Invitae), Labcorp
Classification: Pathogenic. Last evaluated: 2023-01-20. Review status: criteria provided, single submitter. Criteria: Invitae Variant Classification Sherloc (09022015). Collection method: clinical testing. Allele origin: germline.
Comment: This sequence change creates a premature translational stop signal (p.Gln635*) in the SPTB gene. It is expected to result in an absent or disrupted protein product. Loss-of-function variants in SPTB are known to be pathogenic (PMID: 1391962, 1498324, 8844207, 26830532, 27292444). For these reasons, this variant has been classified as Pathogenic. This variant has not been reported in the literature in individuals affected with SPTB-related conditions. This variant is not present in population databases (gnomAD no frequency).

Literature cited by the submitters: PubMed 1391962 (cited by Labcorp Genetics (formerly Invitae), Labcorp); PubMed 1498324 (cited by Labcorp Genetics (formerly Invitae), Labcorp); PubMed 8844207 (cited by Labcorp Genetics (formerly Invitae), Labcorp); PubMed 26830532 (cited by Labcorp Genetics (formerly Invitae), Labcorp); PubMed 27292444 (cited by Labcorp Genetics (formerly Invitae), Labcorp).

NM_001355436.2(SPTB):c.1903C>T (p.Gln635Ter)

Gene: SPTB (spectrin beta, erythrocytic; minus strand). Cytogenetic location: 14q23.3.
Variant type: single nucleotide variant.
Coding change: c.1903C>T on transcript NM_001355436.2 (MANE Select); coding-DNA position 1903, C replaced by T.
Protein change: p.Gln635Ter; replaces glutamine 635 with a stop codon.
Molecular consequence: nonsense.
Genome position (GRCh38, 1-based): chr14:64,793,760, G>A on the plus strand (C>T on the coding strand, the complement: SPTB is on the minus strand). VCF-style: chr14-64793760-G-A. GRCh37 (hg19) VCF-style: chr14-65260478-G-A.
Other names: p.Gln635*; c.1903C>T, p.Gln635Ter (NM_001024858.4, NM_001355437.2); short protein forms Q635*.
Identifiers: ClinVar variation 2830621 (VCV002830621.5), dbSNP rs2503162520, ClinGen allele CA390020585.